The following is an entry in ClinVar:

NM_001735.3(C5):c.1180_1183del (p.Thr394fs)

Gene: C5 (complement C5; minus strand). Cytogenetic location: 9q33.2.
Variant type: Microsatellite.
Coding change: c.1180_1183del on transcript NM_001735.3 (MANE Select); coding-DNA positions 1180 to 1183, 4 bases deleted (ACAA; older notation c.1180_1183delACAA).
Protein change: p.Thr394fs; shifts the reading frame from threonine 394.
Molecular consequence: frameshift variant.
Genome position (GRCh38, 1-based): chr9:121,021,628-121,021,631, TTGT deleted on the plus strand (ACAA on the coding strand, the reverse complement: C5 is on the minus strand); deleting any 4 consecutive bases within chr9:121,021,628-121,021,635 gives the same sequence; the c. name uses the placement nearest the transcript's 3' end. VCF-style (leftmost placement, unchanged base first): chr9-121021627-ATTGT-A. GRCh37 (hg19) VCF-style: chr9-123783905-ATTGT-A.
Other names: c.1198_1201del, p.Thr400fs (NM_001317163.2); c.1180_1183del, p.Thr394fs (NM_001317164.2); short protein forms T394fs, T400fs.
Identifiers: ClinVar variation 1452358 (VCV001452358.8), dbSNP rs2131773916, ClinGen allele CA2580616295.
Genomic context (GRCh38, chr9:121,021,627, plus strand): 5'-TCATCAACACGTGTTACACTTTTGCTTGGATCCAAGTCAGATGTCTCTTGGTTTACATCA[ATTGT>A]TTGTGCATTCAGTGTTACTGGGACTCCTCCTACCAACTGGTCAAGCGAATCTTTAACCTG-3'

ClinVar aggregate classification (germline): Pathogenic (1 of 4 stars; one submission).

Submission:

Labcorp Genetics (formerly Invitae), Labcorp
Classification: Pathogenic. Last evaluated: 2022-02-03. Review status: criteria provided, single submitter. Criteria: Invitae Variant Classification Sherloc (09022015). Collection method: clinical testing. Allele origin: germline.
Comment: For these reasons, this variant has been classified as Pathogenic. This variant is also known as a 4 bp deletion resulting in premature stop codon at Asp396. This premature translational stop signal has been observed in individual(s) with C5 deficiency (PMID: 22531923). It has also been observed to segregate with disease in related individuals. This variant is not present in population databases (gnomAD no frequency). This sequence change creates a premature translational stop signal (p.Thr394Leufs*3) in the C5 gene. It is expected to result in an absent or disrupted protein product. Loss-of-function variants in C5 are known to be pathogenic (PMID: 7730648, 19414197, 27026170).

Literature cited by the submitters: PubMed 22531923; PubMed 7730648; PubMed 19414197; PubMed 27026170.